The following is an entry in ClinVar:

NM_004565.3(PEX14):c.36+8G>A

Gene: PEX14 (peroxisomal biogenesis factor 14; plus strand). Cytogenetic location: 1p36.22.
Variant type: single nucleotide variant.
Coding change: c.36+8G>A on transcript NM_004565.3 (MANE Select); 8 bases into the intron after coding-DNA position 36, G replaced by A.
Molecular consequence: intron variant.
Genome position (GRCh38, 1-based): chr1:10,475,010, G>A. VCF-style: chr1-10475010-G-A. GRCh37 (hg19) VCF-style: chr1-10535067-G-A.
Identifiers: ClinVar variation 259436 (VCV000259436.22), dbSNP rs200154696, ClinGen allele CA583666.

ClinVar aggregate classification (germline): Conflicting classifications of pathogenicity. Review status: criteria provided, conflicting classifications (1 of 4 stars). 6 submissions from 6 submitters: Uncertain significance (1); Benign (1); Likely benign (4). Last evaluated 2026-08-01.

Conditions:
Peroxisome biogenesis disorder, complementation group K (CGK). Identifiers: MedGen C1866257, MONDO:0800365.
Peroxisome biogenesis disorder 13A (Zellweger). Also called: Peroxisome biogenesis disorder 13A. Identifiers: Orphanet 912, MedGen C3554004, MONDO:0013952, OMIM 614887.

Allele frequency attached by ClinVar (database versions not stated): 1000 Genomes Project 0.00020; 1000 Genomes Project 30x 0.00031; gnomAD exomes 0.00100 and 0.00151; gnomAD 0.00107 and 0.00108; ESP Exome Variant Server 0.00116; TOPMed 0.00123; ExAC 0.00167.
gnomAD v4.1: 1,737 of 1,608,126 alleles (0.11%); highest among the groups gnomAD compares: Middle Eastern, 1.8%; 6 homozygotes.

Submissions (6):

CeGaT Center for Human Genetics Tuebingen
Classification: Likely benign. Last evaluated: 2026-08-01. Review status: criteria provided, single submitter. Criteria: CeGaT Center For Human Genetics Tuebingen Variant Classification Criteria Version 2. Collection method: clinical testing. Allele origin: germline. Affected: yes. Observed: 1 variant allele.
Comment: PEX14: BP4

Labcorp Genetics (formerly Invitae), Labcorp
Classification: Benign for Peroxisome biogenesis disorder, complementation group K. Last evaluated: 2026-02-04. Review status: criteria provided, single submitter. Criteria: Invitae Variant Classification Sherloc (09022015). Collection method: clinical testing. Allele origin: germline.

Blueprint Genetics
Classification: Likely benign. Last evaluated: 2024-11-25. Review status: criteria provided, single submitter. Criteria: ACMG Guidelines, 2015. Collection method: clinical testing. Allele origin: germline.

Illumina Laboratory Services, Illumina
Classification: Uncertain significance for Peroxisome biogenesis disorder 13A (Zellweger). Last evaluated: 2018-01-12. Review status: criteria provided, single submitter. Criteria: ICSL Variant Classification Criteria 13 December 2019. Collection method: clinical testing. Allele origin: germline.

Eurofins Ntd Llc (ga)
Classification: Likely benign. Last evaluated: 2017-04-26. Review status: criteria provided, single submitter. Criteria: EGL Classification Definitions 2015. Collection method: clinical testing. Allele origin: germline. Observed: 4 variant alleles, 4 heterozygotes.

PreventionGenetics, part of Exact Sciences
Classification: Likely benign. Review status: criteria provided, single submitter. Criteria: ACMG Guidelines, 2015. Collection method: clinical testing. Allele origin: germline.